The following is an entry in ClinVar:

NM_003919.3(SGCE):c.787C>T (p.Arg263Cys)

Genes: CASD1 (CAS1 domain sialic acid O acetyltransferase 1; plus strand), SGCE (sarcoglycan epsilon; minus strand). Cytogenetic location: 7q21.3.
Variant type: single nucleotide variant.
Coding change: c.787C>T on transcript NM_003919.3 (MANE Select); coding-DNA position 787, C replaced by T.
Protein change: p.Arg263Cys; replaces arginine 263 with cysteine.
Molecular consequence: missense variant.
Genome position (GRCh38, 1-based): chr7:94,603,328, G>A on the plus strand (C>T on the coding strand, the complement: SGCE is on the minus strand). VCF-style: chr7-94603328-G-A. GRCh37 (hg19) VCF-style: chr7-94232640-G-A.
Other names: c.787C>T, p.Arg263Cys (NM_001099400.2, NM_001099401.2, NM_001346717.2); c.664C>T, p.Arg222Cys (NM_001301139.2, NM_001362809.2); c.895C>T, p.Arg299Cys (NM_001346713.2, NM_001346715.2); c.700C>T, p.Arg234Cys (NM_001346719.2, NM_001362807.2); c.514C>T, p.Arg172Cys (NM_001346720.2, NM_001362808.2); short protein forms R263C, R172C, R222C, R234C, R299C.
Identifiers: ClinVar variation 571247 (VCV000571247.15), dbSNP rs199871508, ClinGen allele CA4348726.

ClinVar aggregate classification (germline): Uncertain significance. Review status: criteria provided, multiple submitters, no conflicts (2 of 4 stars). 3 submissions from 3 submitters: Uncertain significance (3). Last evaluated 2025-12-11.

Conditions:
Inborn genetic diseases. Identifiers: MedGen C0950123, MeSH D030342.
Myoclonic dystonia 11 (DYT11). Also called: Myoclonic dystonia; Dystonia 11; Dystonia, alcohol responsive; Hereditary essential myoclonus; SGCE Myoclonus-Dystonia; Myoclonus-Dystonia. Identifiers: Orphanet 36899, MedGen C1834570, MONDO:0008044, OMIM 159900.

Allele frequency attached by ClinVar (database versions not stated): 1000 Genomes Project 0.00020; TOPMed 0.00026; gnomAD exomes 0.00001 and 0.00002; ExAC 0.00002; gnomAD 0.00011 and 0.00012; 1000 Genomes Project 30x 0.00031.
gnomAD v4.1: 39 of 1,612,408 alleles (0.0024%); highest among the groups gnomAD compares: Admixed American, 0.042%; no homozygotes.

Submissions (3):

Labcorp Genetics (formerly Invitae), Labcorp
Classification: Uncertain significance for Myoclonic dystonia 11. Last evaluated: 2025-12-11. Review status: criteria provided, single submitter. Criteria: Invitae Variant Classification Sherloc (09022015). Collection method: clinical testing. Allele origin: germline.
Comment: This sequence change replaces arginine, which is basic and polar, with cysteine, which is neutral and slightly polar, at codon 263 of the SGCE protein (p.Arg263Cys). This variant is present in population databases (rs199871508, gnomAD 0.006%). This variant has not been reported in the literature in individuals affected with SGCE-related conditions. ClinVar contains an entry for this variant (Variation ID: 571247). Invitae Evidence Modeling of protein sequence and biophysical properties (such as structural, functional, and spatial information, amino acid conservation, physicochemical variation, residue mobility, and thermodynamic stability) indicates that this missense variant is not expected to disrupt SGCE protein function with a negative predictive value of 80%. In summary, the available evidence is currently insufficient to determine the role of this variant in disease. Therefore, it has been classified as a Variant of Uncertain Significance.

Ambry Genetics
Classification: Uncertain significance for Inborn genetic diseases. Last evaluated: 2025-12-04. Review status: criteria provided, single submitter. Criteria: Ambry Variant Classification Scheme 2023. Collection method: clinical testing. Allele origin: germline.
Comment: The c.787C>T (p.R263C) alteration is located in exon 6 (coding exon 6) of the SGCE gene. This alteration results from a C to T substitution at nucleotide position 787, causing the arginine (R) at amino acid position 263 to be replaced by a cysteine (C). Based on data from gnomAD, the T allele has an overall frequency of 0.002% (5/280498) total alleles studied. The highest observed frequency was 0.011% (4/35144) of Latino alleles. Based on insufficient or conflicting evidence, the clinical significance of this alteration remains unclear.

Revvity Omics, Revvity
Classification: Uncertain significance for Myoclonic dystonia 11. Last evaluated: 2021-09-22. Review status: criteria provided, single submitter. Criteria: ACMG Guidelines, 2015. Collection method: clinical testing. Allele origin: germline.